The following is an entry in ClinVar:

ClinVar aggregate classification (germline): Uncertain significance. Review status: criteria provided, multiple submitters, no conflicts (2 of 4 stars). 4 submissions from 4 submitters: Uncertain significance (3). 1 of the submissions does not count toward it. Last evaluated 2026-03-13.

Allele frequency attached by ClinVar (database versions not stated): gnomAD 0.00034; TOPMed 0.00037; gnomAD exomes 0.00005 and 0.00014; ESP Exome Variant Server 0.00067; ExAC 0.00009; 1000 Genomes Project 30x 0.00031.
gnomAD v4.1: 139 of 1,590,698 alleles (0.0087%); highest among the groups gnomAD compares: African/African-American, 0.075%; no homozygotes.

Submissions (4):

GeneDx
Classification: Uncertain significance. Last evaluated: 2026-03-13. Review status: criteria provided, single submitter. Criteria: GeneDx Variant Classification Process June 2021. Collection method: clinical testing. Allele origin: germline.
Comment: In silico analysis suggests that this missense variant does not alter protein structure/function; Has not been previously published as pathogenic or benign to our knowledge

Labcorp Genetics (formerly Invitae), Labcorp
Classification: Uncertain significance. Last evaluated: 2022-11-01. Review status: criteria provided, single submitter. Criteria: Invitae Variant Classification Sherloc (09022015). Collection method: clinical testing. Allele origin: germline.
Comment: This sequence change replaces glutamine, which is neutral and polar, with lysine, which is basic and polar, at codon 3044 of the FAT1 protein (p.Gln3044Lys). This variant is present in population databases (rs201737827, gnomAD 0.1%). This variant has not been reported in the literature in individuals affected with FAT1-related conditions. ClinVar contains an entry for this variant (Variation ID: 1049785). Advanced modeling of protein sequence and biophysical properties (such as structural, functional, and spatial information, amino acid conservation, physicochemical variation, residue mobility, and thermodynamic stability) performed at Invitae indicates that this missense variant is not expected to disrupt FAT1 protein function. In summary, the available evidence is currently insufficient to determine the role of this variant in disease. Therefore, it has been classified as a Variant of Uncertain Significance.

Breakthrough Genomics
Classification: Uncertain significance. Review status: criteria provided, single submitter. Criteria: ACMG Guidelines, 2015. Collection method: not provided. Allele origin: germline. Inheritance: Unknown mechanism. Affected: yes.

Department of Pathology and Laboratory Medicine, Sinai Health System
Classification: Uncertain significance. Review status: no assertion criteria provided. Collection method: clinical testing. Allele origin: unknown. Affected: yes. Study: The Canadian Open Genetics Repository (COGR). Not counted in ClinVar's aggregate classification.
Comment: The FAT1 p.Q3044K variant was not identified in the literature nor was it identified in ClinVar. The variant was identified in dbSNP (ID: rs201737827) and in control databases in 45 of 260504 chromosomes at a frequency of 0.0001727, and was observed at the highest frequency in the African population in 28 of 22994 chromosomes (freq: 0.001218) (Genome Aggregation Database March 6, 2019, v2.1.1). The p.Q3044 residue is conserved in mammals however computational analyses (MUT Assesor, PolyPhen-2, SIFT, MutationTaster, Revel, FATHMM, MetaLR, DANN) do not suggest a high likelihood of impact to the protein; however this information is not predictive enough to rule out pathogenicity. The variant occurs outside of the splicing consensus sequence and in silico or computational prediction software programs (Splice AI exome) do not predict a difference in splicing. In summary, based on the above information the clinical significance of this variant cannot be determined with certainty at this time. This variant is classified as a variant of uncertain significance.

NM_005245.4(FAT1):c.9130C>A (p.Gln3044Lys)

Gene: FAT1 (FAT atypical cadherin 1; minus strand). Cytogenetic location: 4q35.2.
Variant type: single nucleotide variant.
Coding change: c.9130C>A on transcript NM_005245.4 (MANE Select); coding-DNA position 9130, C replaced by A.
Protein change: p.Gln3044Lys; replaces glutamine 3044 with lysine.
Molecular consequence: missense variant.
Genome position (GRCh38, 1-based): chr4:186,614,290, G>T on the plus strand (C>A on the coding strand, the complement: FAT1 is on the minus strand). VCF-style: chr4-186614290-G-T. GRCh37 (hg19) VCF-style: chr4-187535444-G-T.
Other names: short protein forms Q3044K.
Identifiers: ClinVar variation 1049785 (VCV001049785.6), dbSNP rs201737827, ClinGen allele CA3165727.
Genomic context (GRCh38, chr4:186,614,290, plus strand): 5'-CCAATAACGTGTAAGTAATTTCAGCGTTAGAGCGGATGTCTGCGTCTGTAGCAGAGATCT[G>T]CATGATCAATTTTCCAGGAAGGACGTCTTCAGGAATAGTGTCTGAATATAAAGTCTGCAA-3'
Protein context (NP_005236.2, residues 3034-3054): EDVLPGKLIM[Gln3044Lys]ISATDADIRS